The following is an entry in ClinVar:

NM_005334.3(HCFC1):c.6052A>G (p.Met2018Val)

Gene: HCFC1 (host cell factor C1; minus strand). Cytogenetic location: Xq28.
Variant type: single nucleotide variant.
Coding change: c.6052A>G on transcript NM_005334.3 (MANE Select); coding-DNA position 6052, A replaced by G.
Protein change: p.Met2018Val; replaces methionine 2018 with valine.
Molecular consequence: missense variant.
Genome position (GRCh38, 1-based): chrX:153,949,569, T>C on the plus strand (A>G on the coding strand, the complement: HCFC1 is on the minus strand). VCF-style: chrX-153949569-T-C. GRCh37 (hg19) VCF-style: chrX-153215020-T-C.
Other names: c.6187A>G, p.Met2063Val (NM_001410705.1); short protein forms M2018V, M2063V.
Identifiers: ClinVar variation 4033937 (VCV004033937.2).

ClinVar aggregate classification (germline): Uncertain significance. Review status: criteria provided, multiple submitters, no conflicts (2 of 4 stars). 2 submissions from 2 submitters: Uncertain significance (2). Last evaluated 2026-01-22.

Conditions:
Inborn genetic diseases. Identifiers: MedGen C0950123, MeSH D030342.

Submissions (2):

GeneDx
Classification: Uncertain significance. Last evaluated: 2026-01-22. Review status: criteria provided, single submitter. Criteria: GeneDx Variant Classification Process June 2021. Collection method: clinical testing. Allele origin: germline.
Comment: Not observed at significant frequency in large population cohorts (gnomAD); In silico analysis suggests that this missense variant does not alter protein structure/function; Has not been previously published as pathogenic or benign to our knowledge

Ambry Genetics
Classification: Uncertain significance for Inborn genetic diseases. Last evaluated: 2025-06-07. Review status: criteria provided, single submitter. Criteria: Ambry Variant Classification Scheme 2023. Collection method: clinical testing. Allele origin: germline.